The following is an entry in ClinVar:

ClinVar aggregate classification (germline): Uncertain significance. Review status: criteria provided, multiple submitters, no conflicts (2 of 4 stars). 13 submissions from 10 submitters: Uncertain significance (11). 2 of the submissions do not count toward it. Last evaluated 2026-09-17.

Conditions:
Basal laminar drusen. Also called: DRUSEN OF BRUCH MEMBRANE; DRUSEN, CUTICULAR; DRUSEN, EARLY ADULT-ONSET, GROUPED. Identifiers: Orphanet 75376, MedGen C0730295, MONDO:0007472, OMIM 126700.
Age related macular degeneration 4. Identifiers: MedGen C1853147, MONDO:0012540, OMIM 610698.
Hemolytic uremic syndrome, atypical, susceptibility to, 1. Also called: AHUS, SUSCEPTIBILITY TO, 1. Identifiers: Orphanet 2134, Orphanet 90038, MedGen C2749604, MONDO:0009335, OMIM 235400. Disease mechanism: Other.
Factor H deficiency (CFHD). Also called: COMPLEMENT FACTOR H DEFICIENCY; CFH DEFICIENCY. Identifiers: Orphanet 200421, MedGen C0398777, MONDO:0012350, OMIM 609814.
Atypical hemolytic-uremic syndrome. Identifiers: Orphanet 2134, MedGen C2931788, MONDO:0016244.

Allele frequency attached by ClinVar (database versions not stated): ExAC 0.00008; ESP Exome Variant Server 0.00008; gnomAD exomes 0.00010; TOPMed 0.00015; gnomAD 0.00018 and 0.00019.
gnomAD v4.1: 252 of 1,611,442 alleles (0.016%); highest among the groups gnomAD compares: Non-Finnish European, 0.021%; no homozygotes.

Submissions (13):

Genomenon, Inc
Classification: Uncertain significance for Age related macular degeneration 4; Atypical hemolytic-uremic syndrome; Factor H deficiency. Last evaluated: 2026-09-17. Review status: criteria provided, single submitter. Criteria: Genomenon Sequence Variant Interpretation Standards - Updated. Collection method: curation. Allele origin: germline. Affected: yes.
Comment: CFH p.Gln400Lys (c.1198C>A) is a missense variant that changes the amino acid at codon 400 from glutamine to lysine. This variant has been observed in at least one proband affected with a CFH-related disorder (PMID: 25814826; 26501415; 29888403; 20106822; 25616634; 34508573; 36246952; 22410797). The variant was found to segregate with disease in at least one affected family (PMID: 34508573). Well-established functional studies show no damaging effect of this variant on protein function, supporting a benign classification (PMID: 36445700). It is absent or not present at a significant frequency in gnomAD. In silico models predict that this variant is not damaging. In conclusion, we classify CFH p.Gln400Lys (c.1198C>A) as a variant of uncertain significance.

Labcorp Genetics (formerly Invitae), Labcorp
Classification: Uncertain significance. Last evaluated: 2025-10-08. Review status: criteria provided, single submitter. Criteria: Invitae Variant Classification Sherloc (09022015). Collection method: clinical testing. Allele origin: germline.
Comment: This sequence change replaces glutamine, which is neutral and polar, with lysine, which is basic and polar, at codon 400 of the CFH protein (p.Gln400Lys). This variant is present in population databases (rs201671665, gnomAD 0.02%). This missense change has been observed in individual(s) with atypical hemolytic uremic syndrome and age-related macular degeneration (PMID: 22410797, 25814826, 29888403, 34508573). ClinVar contains an entry for this variant (Variation ID: 1006921). An algorithm developed to predict the effect of missense changes on protein structure and function (PolyPhen-2) suggests that this variant is likely to be tolerated. Experimental studies have shown that this missense change does not substantially affect CFH function (PMID: 36445700). In summary, the available evidence is currently insufficient to determine the role of this variant in disease. Therefore, it has been classified as a Variant of Uncertain Significance.

Mayo Clinic Laboratories, Mayo Clinic
Classification: Uncertain significance. Last evaluated: 2025-03-18. Review status: criteria provided, single submitter. Criteria: ACMG Guidelines, 2015. Collection method: clinical testing. Allele origin: germline. Observed: 1 variant allele.
Comment: BS3_supporting, BP4_moderate

Genome-Nilou Lab
Classification: Uncertain significance for Hemolytic uremic syndrome, atypical, susceptibility to, 1. Last evaluated: 2023-04-11. Review status: criteria provided, single submitter. Criteria: ACMG Guidelines, 2015. Collection method: clinical testing. Allele origin: germline. Affected: no.

Genome-Nilou Lab
Classification: Uncertain significance for Age related macular degeneration 4. Last evaluated: 2023-04-11. Review status: criteria provided, single submitter. Criteria: ACMG Guidelines, 2015. Collection method: clinical testing. Allele origin: germline. Affected: no.

Genome-Nilou Lab
Classification: Uncertain significance for Basal laminar drusen. Last evaluated: 2023-04-11. Review status: criteria provided, single submitter. Criteria: ACMG Guidelines, 2015. Collection method: clinical testing. Allele origin: germline. Affected: no.

Genome-Nilou Lab
Classification: Uncertain significance for Factor H deficiency. Last evaluated: 2023-04-11. Review status: criteria provided, single submitter. Criteria: ACMG Guidelines, 2015. Collection method: clinical testing. Allele origin: germline. Affected: no.

Fulgent Genetics
Classification: Uncertain significance for Basal laminar drusen; Hemolytic uremic syndrome, atypical, susceptibility to, 1; Factor H deficiency; Age related macular degeneration 4. Last evaluated: 2022-04-13. Review status: criteria provided, single submitter. Criteria: ACMG Guidelines, 2015. Collection method: clinical testing. Allele origin: unknown.

Blueprint Genetics
Classification: Uncertain significance. Last evaluated: 2022-04-05. Review status: criteria provided, single submitter. Criteria: ACMG Guidelines, 2015. Collection method: clinical testing. Allele origin: germline.

Baylor Genetics
Classification: Uncertain significance for Factor H deficiency. Last evaluated: 2020-09-24. Review status: criteria provided, single submitter. Criteria: ACMG Guidelines, 2015. Collection method: clinical testing. Allele origin: unknown. Affected: yes.
Comment: This variant was determined to be of uncertain significance according to ACMG Guidelines, 2015 [PMID:25741868].

Department of Pathology and Laboratory Medicine, Sinai Health System
Classification: Uncertain significance for atypical hemolytic-uremic syndrome. Last evaluated: 2020-07-02. Review status: criteria provided, single submitter. Criteria: ACMG Guidelines, 2015. Collection method: research. Allele origin: germline.

Clinical Genetics DNA and cytogenetics Diagnostics Lab, Erasmus MC, Erasmus Medical Center
Classification: Uncertain significance. Review status: no assertion criteria provided. Collection method: clinical testing. Allele origin: germline. Affected: yes. Study: VKGL Data-share Consensus. Not counted in ClinVar's aggregate classification.

Diagnostic Laboratory, Department of Genetics, University Medical Center Groningen
Classification: Uncertain significance. Review status: no assertion criteria provided. Collection method: clinical testing. Allele origin: germline. Affected: yes. Study: VKGL Data-share Consensus. Not counted in ClinVar's aggregate classification.

Literature cited by the submitters: PubMed 25814826 (cited by 3 submitters); PubMed 26501415 (cited by Genomenon, Inc); PubMed 29888403 (cited by 3 submitters); PubMed 20106822 (cited by Genomenon, Inc); PubMed 25616634 (cited by Genomenon, Inc); PubMed 34508573 (cited by 3 submitters); PubMed 36246952 (cited by Genomenon, Inc); PubMed 22410797 (cited by 3 submitters); PubMed 36445700 (cited by Genomenon, Inc and Labcorp Genetics (formerly Invitae), Labcorp); PubMed 14978182 (cited by Mayo Clinic Laboratories, Mayo Clinic); PubMed 34189567 (cited by Mayo Clinic Laboratories, Mayo Clinic).

NM_000186.4(CFH):c.1198C>A (p.Gln400Lys)

Gene: CFH (complement factor H; plus strand). Cytogenetic location: 1q31.3.
Variant type: single nucleotide variant.
Coding change: c.1198C>A on transcript NM_000186.4 (MANE Select); coding-DNA position 1198, C replaced by A.
Protein change: p.Gln400Lys; replaces glutamine 400 with lysine.
Molecular consequence: missense variant.
Genome position (GRCh38, 1-based): chr1:196,690,101, C>A. VCF-style: chr1-196690101-C-A. GRCh37 (hg19) VCF-style: chr1-196659231-C-A.
Other names: p.Gln400Lys; c.1198C>A, p.Gln400Lys (NM_001014975.3); short protein forms Q400K.
Identifiers: ClinVar variation 1006921 (VCV001006921.21), dbSNP rs201671665, ClinGen allele CA1305282.